The following is an entry in ClinVar:

ClinVar aggregate classification (germline): Uncertain significance (1 of 4 stars; one submission).

Conditions:
Hereditary cancer-predisposing syndrome. Also called: Neoplastic Syndromes, Hereditary; Tumor predisposition; Hereditary neoplastic syndrome; Hereditary Cancer Syndrome. Identifiers: Orphanet 140162, MedGen C0027672, MeSH D009386, MONDO:0015356.

Allele frequency attached by ClinVar (database versions not stated): TOPMed below 0.00001; ExAC 0.00001; gnomAD 0.00001; ESP Exome Variant Server 0.00008.
gnomAD v4.1: 1 of 1,614,024 alleles (0.000062%); highest among the groups gnomAD compares: Non-Finnish European, 0.000085%; no homozygotes.

Submission:

Ambry Genetics
Classification: Uncertain significance for Hereditary cancer-predisposing syndrome. Last evaluated: 2023-01-26. Review status: criteria provided, single submitter. Criteria: Ambry Variant Classification Scheme 2023. Collection method: clinical testing. Allele origin: germline.
Comment: The p.V738I variant (also known as c.2212G>A), located in coding exon 14 of the SMARCA4 gene, results from a G to A substitution at nucleotide position 2212. The valine at codon 738 is replaced by isoleucine, an amino acid with highly similar properties. This amino acid position is well conserved in available vertebrate species. In addition, this alteration is predicted to be tolerated by in silico analysis. Missense and in-frame variants in SMARCA4 are known to cause neurodevelopmental disorders; however, such associations with rhabdoid tumor predisposition syndrome including small cell carcinoma of the ovary-hypercalcemic type (SCCOHT) are exceedingly rare (Kosho T et al. Am J Med Genet C Semin Med Genet. 2014 Sep;166C(3):262-75; Jelinic P et al. Nat Genet. 2014 May;46(5):424-6). Based on the supporting evidence, the association of this alteration with Coffin-Siris syndrome is unknown; however, the association of this alteration with rhabdoid tumor predisposition syndrome is unlikely.

NM_003072.5(SMARCA4):c.2212G>A (p.Val738Ile)

Gene: SMARCA4 (SWI/SNF related BAF chromatin remodeling complex subunit ATPase 4; plus strand). Cytogenetic location: 19p13.2.
Variant type: single nucleotide variant.
Coding change: c.2212G>A on transcript NM_003072.5 (MANE Select); coding-DNA position 2212, G replaced by A.
Protein change: p.Val738Ile; replaces valine 738 with isoleucine.
Molecular consequence: missense variant. On other transcripts: non-coding transcript variant (1).
Genome position (GRCh38, 1-based): chr19:11,010,469, G>A. VCF-style: chr19-11010469-G-A. GRCh37 (hg19) VCF-style: chr19-11121145-G-A.
Other names: c.2212G>A, p.Val738Ile (NM_001128844.3, NM_001128845.2, NM_001128846.2 and 6 more transcripts); short protein forms V738I.
Identifiers: ClinVar variation 2452866 (VCV002452866.2), dbSNP rs370273427, ClinGen allele CA9204037.